The following is an entry in ClinVar:

NM_014208.3(DSPP):c.730G>A (p.Gly244Arg)

Genes: DMP1-AS1 (DMP1 and DSPP antisense RNA 1; minus strand), DSPP (dentin sialophosphoprotein; plus strand). Cytogenetic location: 4q22.1.
Variant type: single nucleotide variant.
Coding change: c.730G>A on transcript NM_014208.3 (MANE Select); coding-DNA position 730, G replaced by A.
Protein change: p.Gly244Arg; replaces glycine 244 with arginine.
Molecular consequence: missense variant.
Genome position (GRCh38, 1-based): chr4:87,612,916, G>A. VCF-style: chr4-87612916-G-A. GRCh37 (hg19) VCF-style: chr4-88534068-G-A.
Other names: short protein forms G244R.
Identifiers: ClinVar variation 4760416 (VCV004760416.1).
Genomic context (GRCh38, chr4:87,612,916, plus strand): 5'-ACTAAGGAAGCTGAGGTAACACCAGGCACTGGAGAAGATGCTGGCCTGGATAATTCCGAT[G>A]GGAGTCCTAGTGGGAATGGAGCAGATGAGGATGAAGACGAGGGTTCTGGTGATGATGAAG-3'
Protein context (NP_055023.2, residues 234-254): GEDAGLDNSD[Gly244Arg]SPSGNGADED

ClinVar aggregate classification (germline): Uncertain significance (1 of 4 stars; one submission).

Submission:

Labcorp Genetics (formerly Invitae), Labcorp
Classification: Uncertain significance. Last evaluated: 2026-01-22. Review status: criteria provided, single submitter. Criteria: Invitae Variant Classification Sherloc (09022015). Collection method: clinical testing. Allele origin: germline.
Comment: This sequence change replaces glycine, which is neutral and non-polar, with arginine, which is basic and polar, at codon 244 of the DSPP protein (p.Gly244Arg). This variant is not present in population databases (gnomAD no frequency). This missense change has been observed in individual(s) with clinical features of DSPP-related conditions (PMID: 33924653). An algorithm developed to predict the effect of missense changes on protein structure and function (PolyPhen-2) suggests that this variant is likely to be disruptive. In summary, the available evidence is currently insufficient to determine the role of this variant in disease. Therefore, it has been classified as a Variant of Uncertain Significance.

Literature cited by the submitters: PubMed 33924653.